The following is an entry in ClinVar:

ClinVar aggregate classification (germline): Uncertain significance. Review status: criteria provided, multiple submitters, no conflicts (2 of 4 stars). 3 submissions from 3 submitters: Uncertain significance (2). 1 of the submissions does not count toward it. Last evaluated 2021-07-28.

Conditions:
OBSL1-related disorder. Also called: OBSL1-related condition.
Inborn genetic diseases. Identifiers: MedGen C0950123, MeSH D030342.
3M syndrome 2. Also called: 3-M Syndrome, OBSL1-Related; THREE M SYNDROME 2. Identifiers: Orphanet 2616, MedGen C2752041, MONDO:0013039, OMIM 612921.

Allele frequency attached by ClinVar (database versions not stated): TOPMed 0.00002.
gnomAD v4.1: 207 of 1,612,832 alleles (0.013%); highest among the groups gnomAD compares: Non-Finnish European, 0.009%; no homozygotes.

Submissions (3):

Ambry Genetics
Classification: Uncertain significance for Inborn genetic diseases. Last evaluated: 2021-07-28. Review status: criteria provided, single submitter. Criteria: Ambry Variant Classification Scheme 2023. Collection method: clinical testing. Allele origin: germline.

Illumina Laboratory Services, Illumina
Classification: Uncertain significance for 3M syndrome 2. Last evaluated: 2018-01-12. Review status: criteria provided, single submitter. Criteria: ICSL Variant Classification Criteria 13 December 2019. Collection method: clinical testing. Allele origin: germline.

PreventionGenetics, part of Exact Sciences
Classification: Uncertain significance for OBSL1-related condition. Last evaluated: 2024-06-12. Review status: no assertion criteria provided. Collection method: clinical testing. Allele origin: germline. Not counted in ClinVar's aggregate classification.
Comment: The OBSL1 c.1850G>T variant is predicted to result in the amino acid substitution p.Arg617Leu. To our knowledge, this variant has not been reported in the literature. This variant is reported in 0.10% of alleles in individuals of European (Finnish) descent in gnomAD. Although we suspect that this variant may be benign, at this time, the clinical significance of this variant is uncertain due to the absence of conclusive functional and genetic evidence.

NM_015311.3(OBSL1):c.1850G>T (p.Arg617Leu)

Gene: OBSL1 (obscurin like cytoskeletal adaptor 1; minus strand). Cytogenetic location: 2q35.
Variant type: single nucleotide variant.
Coding change: c.1850G>T on transcript NM_015311.3 (MANE Select); coding-DNA position 1850, G replaced by T.
Protein change: p.Arg617Leu; replaces arginine 617 with leucine.
Molecular consequence: missense variant.
Genome position (GRCh38, 1-based): chr2:219,567,114, C>A on the plus strand (G>T on the coding strand, the complement: OBSL1 is on the minus strand). VCF-style: chr2-219567114-C-A. GRCh37 (hg19) VCF-style: chr2-220431836-C-A.
Other names: c.1850G>T, p.Arg617Leu (NM_001173408.2, NM_001173431.2); short protein forms R617L.
Identifiers: ClinVar variation 897796 (VCV000897796.7), dbSNP rs369705959, ClinGen allele CA2131393.